The following is an entry in ClinVar:

ClinVar aggregate classification (germline): Uncertain significance (1 of 4 stars; one submission).

Submission:

GeneDx
Classification: Uncertain significance. Last evaluated: 2025-01-31. Review status: criteria provided, single submitter. Criteria: GeneDx Variant Classification Process June 2021. Collection method: clinical testing. Allele origin: germline. Affected: yes.
Comment: Not observed at significant frequency in large population cohorts (gnomAD); In silico analysis indicates that this missense variant does not alter protein structure/function; Has not been previously published as pathogenic or benign to our knowledge

NM_183357.3(ADCY5):c.422C>G (p.Ala141Gly)

Gene: ADCY5 (adenylate cyclase 5; minus strand). Cytogenetic location: 3q21.1.
Variant type: single nucleotide variant.
Coding change: c.422C>G on transcript NM_183357.3 (MANE Select); coding-DNA position 422, C replaced by G.
Protein change: p.Ala141Gly; replaces alanine 141 with glycine.
Molecular consequence: missense variant.
Genome position (GRCh38, 1-based): chr3:123,448,124, G>C on the plus strand (C>G on the coding strand, the complement: ADCY5 is on the minus strand). VCF-style: chr3-123448124-G-C. GRCh37 (hg19) VCF-style: chr3-123166971-G-C.
Other names: c.422C>G, p.Ala141Gly (NM_001378259.1); short protein forms A141G.
Identifiers: ClinVar variation 4072603 (VCV004072603.1).